The following is an entry in ClinVar:

ClinVar aggregate classification (germline): Benign. Review status: criteria provided, single submitter (1 of 4 stars). 2 submissions from 2 submitters: Benign (1). 1 of the submissions does not count toward it. Last evaluated 2019-12-31.

Conditions:
HIRA-related disorder.

Allele frequency attached by ClinVar (database versions not stated): ESP Exome Variant Server 0.00038; gnomAD 0.00166 and 0.00180; 1000 Genomes Project 0.00280; TOPMed 0.00291; 1000 Genomes Project 30x 0.00375; ExAC 0.00474; gnomAD exomes 0.00565.
gnomAD v4.1: 2,156 of 1,606,524 alleles (0.13%); highest among the groups gnomAD compares: Admixed American, 3%; 43 homozygotes.

Submissions (8):

Labcorp Genetics (formerly Invitae), Labcorp
Classification: Benign. Last evaluated: 2019-12-31. Review status: criteria provided, single submitter. Criteria: Invitae Variant Classification Sherloc (09022015). Collection method: clinical testing. Allele origin: germline.

PreventionGenetics, part of Exact Sciences
Classification: Benign for HIRA-related condition. Last evaluated: 2019-05-30. Review status: no assertion criteria provided. Collection method: clinical testing. Allele origin: germline. Not counted in ClinVar's aggregate classification.
Comment: This variant is classified as benign based on ACMG/AMP sequence variant interpretation guidelines (Richards et al. 2015 PMID: 25741868, with internal and published modifications).

Dr. Peter K. Rogan Lab, Western University
No classification provided (evidence only). Condition: Thyroid cancer, nonmedullary, 1. Review status: no classification provided. Collection method: in vitro. Allele origin: not applicable. Functional consequence: retained intron. Not counted in ClinVar's aggregate classification.

Dr. Peter K. Rogan Lab, Western University
No classification provided (evidence only). Condition: Cervical cancer. Review status: no classification provided. Collection method: in vitro. Allele origin: not applicable. Functional consequence: retained intron. Not counted in ClinVar's aggregate classification.

Dr. Peter K. Rogan Lab, Western University
No classification provided (evidence only). Condition: Hepatocellular carcinoma. Review status: no classification provided. Collection method: in vitro. Allele origin: not applicable. Functional consequence: retained intron. Not counted in ClinVar's aggregate classification.

Dr. Peter K. Rogan Lab, Western University
No classification provided (evidence only). Condition: Hepatocellular carcinoma. Review status: no classification provided. Collection method: in vitro. Allele origin: not applicable. Functional consequence: skipped exon. Not counted in ClinVar's aggregate classification.

Dr. Peter K. Rogan Lab, Western University
No classification provided (evidence only). Condition: Ovarian serous cystadenocarcinoma. Review status: no classification provided. Collection method: in vitro. Allele origin: not applicable. Functional consequence: retained intron. Not counted in ClinVar's aggregate classification.

Dr. Peter K. Rogan Lab, Western University
No classification provided (evidence only). Condition: Gastric cancer. Review status: no classification provided. Collection method: in vitro. Allele origin: not applicable. Functional consequence: retained intron. Not counted in ClinVar's aggregate classification.

NM_003325.4(HIRA):c.1467G>A (p.Ala489=)

Gene: HIRA (histone cell cycle regulator; minus strand). Cytogenetic location: 22q11.21.
Variant type: single nucleotide variant.
Coding change: c.1467G>A on transcript NM_003325.4 (MANE Select); coding-DNA position 1467, G replaced by A.
Protein change: p.Ala489=; no amino-acid change (alanine 489 retained).
Molecular consequence: synonymous variant.
Genome position (GRCh38, 1-based): chr22:19,378,015, C>T on the plus strand (G>A on the coding strand, the complement: HIRA is on the minus strand). VCF-style: chr22-19378015-C-T. GRCh37 (hg19) VCF-style: chr22-19365538-C-T.
Other names: NC_000022.10:g.19365538C>T.
Identifiers: ClinVar variation 777553 (VCV000777553.7), dbSNP rs116388467, ClinGen allele CA10099678.